The following is an entry in ClinVar:

NM_012478.4(WBP2):c.671C>T (p.Ala224Val)

Gene: WBP2 (WW domain binding protein 2; minus strand). Cytogenetic location: 17q25.1.
Variant type: single nucleotide variant.
Coding change: c.671C>T on transcript NM_012478.4 (MANE Select); coding-DNA position 671, C replaced by T.
Protein change: p.Ala224Val; replaces alanine 224 with valine.
Molecular consequence: missense variant.
Genome position (GRCh38, 1-based): chr17:75,846,969, G>A on the plus strand (C>T on the coding strand, the complement: WBP2 is on the minus strand). VCF-style: chr17-75846969-G-A. GRCh37 (hg19) VCF-style: chr17-73843050-G-A.
Other names: c.536C>T, p.Ala179Val (NM_001330499.2); c.671C>T, p.Ala224Val (NM_001348170.1); short protein forms A224V, A179V.
Identifiers: ClinVar variation 437832 (VCV000437832.1), dbSNP rs1555604549, ClinGen allele CA401122402.

ClinVar aggregate classification (germline): no classifications from unflagged records (0 of 4 stars; one submission).

Conditions:
Hearing loss, autosomal recessive 107. Also called: DEAFNESS, AUTOSOMAL RECESSIVE 107. Identifiers: MedGen C4539964, MONDO:0033199, OMIM 617639.

Allele frequency attached by ClinVar (database versions not stated): gnomAD exomes below 0.00001.
gnomAD v4.1: 1 of 1,614,140 alleles (0.000062%); highest among the groups gnomAD compares: Non-Finnish European, 0.000085%; no homozygotes.

Submission:

OMIM
Classification: Pathogenic for DEAFNESS, AUTOSOMAL RECESSIVE 107. Last evaluated: 2017-08-24. Review status: flagged submission. Collection method: literature only. Allele origin: germline.
ClinVar note: Notes: Flagging candidate with reason of insufficient supporting evidence. This gene has been classified as having a limited gene-disease relationship by a ClinGen Expert Panel.
ClinVar note: Reason: Other

Literature cited by the submitters: PubMed 26881968.